The following is an entry in ClinVar:

ClinVar aggregate classification (germline): Uncertain significance. Review status: criteria provided, multiple submitters, no conflicts (2 of 4 stars). 2 submissions from 2 submitters: Uncertain significance (2). Last evaluated 2025-06-03.

Conditions:
Arrhythmogenic right ventricular dysplasia 8 (ARVD8). Also called: Arrhythmogenic Right Ventricular Dysplasia/Cardiomyopathy 8; ARRHYTHMOGENIC RIGHT VENTRICULAR DYSPLASIA, FAMILIAL, 8; ARRHYTHMOGENIC RIGHT VENTRICULAR CARDIOMYOPATHY 8. Identifiers: MedGen C1843896, MONDO:0011831, OMIM 607450.
Arrhythmogenic cardiomyopathy with wooly hair and keratoderma. Also called: Dilated cardiomyopathy with woolly hair and keratoderma; Arrhythmogenic cardiomyopathy with woolly hair and keratoderma; Carvajal syndrome; PALMOPLANTAR KERATODERMA WITH LEFT VENTRICULAR CARDIOMYOPATHY AND WOOLLY HAIR. Identifiers: Orphanet 65282, MedGen C1854063, MONDO:0011581, OMIM 605676.
Cardiomyopathy (CMYO). Also called: Cardiomyopathies. Identifiers: Orphanet 167848, MedGen C0878544, MONDO:0004994, HP:0001638. Inheritance: Various modes of inheritance.

Allele frequency attached by ClinVar (database versions not stated): gnomAD exomes below 0.00001.
gnomAD v4.1: 1 of 1,614,124 alleles (0.000062%); highest among the groups gnomAD compares: Non-Finnish European, 0.000085%; no homozygotes.

Submissions (2):

Color Diagnostics, LLC DBA Color Health
Classification: Uncertain significance for Cardiomyopathy. Last evaluated: 2025-06-03. Review status: criteria provided, single submitter. Criteria: ACMG Guidelines, 2015. Collection method: clinical testing. Allele origin: germline.
Comment: This missense variant replaces arginine with lysine at codon 2763 of the DSP protein. Computational prediction suggests that this variant may not impact protein structure and function. To our knowledge, functional studies have not been reported for this variant. This variant has not been reported in individuals affected with DSP-related disorders in the literature. This variant has not been identified in the general population by the Genome Aggregation Database (gnomAD). The available evidence is insufficient to determine the role of this variant in disease conclusively. Therefore, this variant is classified as a Variant of Uncertain Significance.

Labcorp Genetics (formerly Invitae), Labcorp
Classification: Uncertain significance for Arrhythmogenic cardiomyopathy with wooly hair and keratoderma; Arrhythmogenic right ventricular dysplasia 8. Last evaluated: 2022-03-10. Review status: criteria provided, single submitter. Criteria: Invitae Variant Classification Sherloc (09022015). Collection method: clinical testing. Allele origin: germline.
Comment: This sequence change replaces arginine, which is basic and polar, with lysine, which is basic and polar, at codon 2763 of the DSP protein (p.Arg2763Lys). In summary, the available evidence is currently insufficient to determine the role of this variant in disease. Therefore, it has been classified as a Variant of Uncertain Significance. Algorithms developed to predict the effect of missense changes on protein structure and function output the following: SIFT: "Tolerated"; PolyPhen-2: "Benign"; Align-GVGD: "Class C0". The lysine amino acid residue is found in multiple mammalian species, which suggests that this missense change does not adversely affect protein function. This variant has not been reported in the literature in individuals affected with DSP-related conditions. This variant is not present in population databases (gnomAD no frequency).

NM_004415.4(DSP):c.8288G>A (p.Arg2763Lys)

Gene: DSP (desmoplakin; plus strand). Cytogenetic location: 6p24.3.
Variant type: single nucleotide variant.
Coding change: c.8288G>A on transcript NM_004415.4 (MANE Select); coding-DNA position 8288, G replaced by A.
Protein change: p.Arg2763Lys; replaces arginine 2763 with lysine.
Molecular consequence: missense variant.
Genome position (GRCh38, 1-based): chr6:7,585,550, G>A. VCF-style: chr6-7585550-G-A. GRCh37 (hg19) VCF-style: chr6-7585783-G-A.
Other names: c.6491G>A, p.Arg2164Lys (NM_001008844.3); c.6959G>A, p.Arg2320Lys (NM_001319034.2); short protein forms R2763K, R2164K, R2320K.
Identifiers: ClinVar variation 2108268 (VCV002108268.5), dbSNP rs2533950818, ClinGen allele CA362694837.